The following is an entry in ClinVar:

NM_001283009.2(RTEL1):c.3665G>T (p.Gly1222Val)

Genes: RTEL1 (regulator of telomere elongation helicase 1; plus strand), RTEL1-TNFRSF6B (RTEL1-TNFRSF6B readthrough (NMD candidate); plus strand). Cytogenetic location: 20q13.33.
Variant type: single nucleotide variant.
Coding change: c.3665G>T on transcript NM_001283009.2 (MANE Select); coding-DNA position 3665, G replaced by T.
Protein change: p.Gly1222Val; replaces glycine 1222 with valine.
Molecular consequence: missense variant. On other transcripts: non-coding transcript variant (1), intron variant (3).
Genome position (GRCh38, 1-based): chr20:63,695,493, G>T. VCF-style: chr20-63695493-G-T. GRCh37 (hg19) VCF-style: chr20-62326846-G-T.
Other names: c.2983+13G>T (NM_001283010.1); c.3724+13G>T (NM_032957.5); c.3652+13G>T (NM_016434.4); short protein forms G1222V.
Identifiers: ClinVar variation 557461 (VCV000557461.45), dbSNP rs1177347580, ClinGen allele CA409686466.

ClinVar aggregate classification (germline): Uncertain significance. Review status: criteria provided, multiple submitters, no conflicts (2 of 4 stars). 4 submissions from 4 submitters: Uncertain significance (3). 1 of the submissions does not count toward it. Last evaluated 2025-06-08.

Conditions:
Inborn genetic diseases. Identifiers: MedGen C0950123, MeSH D030342.
Dyskeratosis congenita, autosomal recessive 5 (DKCB5). Identifiers: MedGen C3554656, MONDO:0014076, OMIM 615190.
Pulmonary fibrosis and/or bone marrow failure, Telomere-related, 3. Also called: PULMONARY FIBROSIS AND/OR BONE MARROW FAILURE SYNDROME, TELOMERE-RELATED, 3. Identifiers: Orphanet 2032, MedGen C4225346, MONDO:0014613, OMIM 616373.

Allele frequency attached by ClinVar (database versions not stated): gnomAD exomes below 0.00001.

Submissions (4):

Ambry Genetics
Classification: Uncertain significance for Inborn genetic diseases. Last evaluated: 2025-06-08. Review status: criteria provided, single submitter. Criteria: Ambry Variant Classification Scheme 2023. Collection method: clinical testing. Allele origin: germline.
Comment: The p.G1222V variant (also known as c.3665G>T), located in coding exon 33 of the RTEL1 gene, results from a G to T substitution at nucleotide position 3665. The glycine at codon 1222 is replaced by valine, an amino acid with dissimilar properties. This amino acid position is conserved. In addition, this alteration is predicted to be tolerated by in silico analysis. Based on the available evidence, the clinical significance of this variant remains unclear.

Labcorp Genetics (formerly Invitae), Labcorp
Classification: Uncertain significance for Dyskeratosis congenita, autosomal recessive 5; Pulmonary fibrosis and/or bone marrow failure, Telomere-related, 3. Last evaluated: 2022-06-02. Review status: criteria provided, single submitter. Criteria: Invitae Variant Classification Sherloc (09022015). Collection method: clinical testing. Allele origin: germline.
Comment: This sequence change replaces glycine, which is neutral and non-polar, with valine, which is neutral and non-polar, at codon 1222 of the RTEL1 protein (p.Gly1222Val). This variant is present in population databases (no rsID available, gnomAD 0.006%). This variant has not been reported in the literature in individuals affected with RTEL1-related conditions. ClinVar contains an entry for this variant (Variation ID: 557461). Algorithms developed to predict the effect of missense changes on protein structure and function are either unavailable or do not agree on the potential impact of this missense change (SIFT: "Deleterious"; PolyPhen-2: "Benign"; Align-GVGD: "Class C0"). Algorithms developed to predict the effect of sequence changes on RNA splicing suggest that this variant may create or strengthen a splice site. In summary, the available evidence is currently insufficient to determine the role of this variant in disease. Therefore, it has been classified as a Variant of Uncertain Significance.

CeGaT Center for Human Genetics Tuebingen
Classification: Uncertain significance. Last evaluated: 2018-11-01. Review status: criteria provided, single submitter. Criteria: CeGaT Center For Human Genetics Tuebingen Variant Classification Criteria Version 2. Collection method: clinical testing. Allele origin: germline. Affected: yes. Observed: 1 variant allele.

Counsyl
Classification: Likely benign for Dyskeratosis congenita, autosomal recessive 5. Last evaluated: 2018-03-26. Review status: no assertion criteria provided. Collection method: clinical testing. Allele origin: unknown. Not counted in ClinVar's aggregate classification.